The following is an entry in ClinVar:

ClinVar aggregate classification (germline): Uncertain significance (1 of 4 stars; one submission).

Conditions:
CHARGE syndrome (CHARGE). Also called: Hittner Hirsch Kreh syndrome; CHARGE ASSOCIATION--COLOBOMA, HEART ANOMALY, CHOANAL ATRESIA, RETARDATION, GENITAL AND EAR ANOMALIES; Coloboma, heart anomaly, choanal atresia, retardation, genital and ear anomalies; CHARGE association; Hall-Hittner syndrome. Identifiers: Orphanet 138, MedGen C0265354, MONDO:0008965.

Allele frequency attached by ClinVar (database versions not stated): ExAC 0.00001.
gnomAD v4.1: 1 of 1,613,858 alleles (0.000062%); highest among the groups gnomAD compares: Non-Finnish European, 0.000085%; no homozygotes.

Submission:

Labcorp Genetics (formerly Invitae), Labcorp
Classification: Uncertain significance for CHARGE syndrome. Last evaluated: 2024-06-10. Review status: criteria provided, single submitter. Criteria: Invitae Variant Classification Sherloc (09022015). Collection method: clinical testing. Allele origin: germline.
Comment: This sequence change replaces proline, which is neutral and non-polar, with threonine, which is neutral and polar, at codon 422 of the SEMA3E protein (p.Pro422Thr). This variant is not present in population databases (gnomAD no frequency). This variant has not been reported in the literature in individuals affected with SEMA3E-related conditions. ClinVar contains an entry for this variant (Variation ID: 1931552). Advanced modeling of protein sequence and biophysical properties (such as structural, functional, and spatial information, amino acid conservation, physicochemical variation, residue mobility, and thermodynamic stability) performed at Invitae indicates that this missense variant is not expected to disrupt SEMA3E protein function with a negative predictive value of 80%. In summary, the available evidence is currently insufficient to determine the role of this variant in disease. Therefore, it has been classified as a Variant of Uncertain Significance.

NM_012431.3(SEMA3E):c.1264C>A (p.Pro422Thr)

Gene: SEMA3E (semaphorin 3E; minus strand). Cytogenetic location: 7q21.11.
Variant type: single nucleotide variant.
Coding change: c.1264C>A on transcript NM_012431.3 (MANE Select); coding-DNA position 1264, C replaced by A.
Protein change: p.Pro422Thr; replaces proline 422 with threonine.
Molecular consequence: missense variant.
Genome position (GRCh38, 1-based): chr7:83,400,130, G>T on the plus strand (C>A on the coding strand, the complement: SEMA3E is on the minus strand). VCF-style: chr7-83400130-G-T. GRCh37 (hg19) VCF-style: chr7-83029446-G-T.
Other names: c.1084C>A, p.Pro362Thr (NM_001178129.2); short protein forms P362T, P422T.
Identifiers: ClinVar variation 1931552 (VCV001931552.5), dbSNP rs762609959, ClinGen allele CA4322078.
Genomic context (GRCh38, chr7:83,400,130, plus strand): 5'-CCACTCGATCTACTGCTATTTGTTTCAGGTTATATTTTCCATCTGTTTTTACCAATATTG[G>T]TTTTTTATGGGCAGGTTTTATGGCCTGGTACATTAGTGGATGACTTCTTGCAAATCGGAT-3'
Protein context (NP_036563.1, residues 412-432): YQAIKPAHKK[Pro422Thr]ILVKTDGKYN